The following is an entry in ClinVar:

NM_015426.5(POC1A):c.53del (p.His18fs)

Gene: POC1A (POC1 centriolar protein A; minus strand). Cytogenetic location: 3p21.2.
Variant type: Deletion.
Coding change: c.53del on transcript NM_015426.5 (MANE Select); coding-DNA position 53, one base deleted (A; older notation c.53delA).
Protein change: p.His18fs; shifts the reading frame from histidine 18.
Molecular consequence: frameshift variant. On other transcripts: 5 prime UTR variant (1).
Genome position (GRCh38, 1-based): chr3:52,151,066, T deleted on the plus strand (A on the coding strand, the reverse complement: POC1A is on the minus strand). VCF-style (leftmost placement, unchanged base first): chr3-52151065-GT-G. GRCh37 (hg19) VCF-style: chr3-52185081-GT-G.
Other names: c.53del, p.His18fs (NM_001161580.2); c.-62del (NM_001161581.2); short protein forms H18fs.
Identifiers: ClinVar variation 4085991 (VCV004085991.8).

ClinVar aggregate classification (germline): Pathogenic (1 of 4 stars; one submission).

Submission:

CeGaT Center for Human Genetics Tuebingen
Classification: Pathogenic. Last evaluated: 2025-07-01. Review status: criteria provided, single submitter. Criteria: CeGaT Center For Human Genetics Tuebingen Variant Classification Criteria Version 2. Collection method: clinical testing. Allele origin: germline. Affected: yes. Observed: 1 variant allele.
Comment: POC1A: PVS1, PM2